The following is an entry in ClinVar:

NM_001166108.2(PALLD):c.1280A>C (p.Tyr427Ser)

Gene: PALLD (palladin, cytoskeletal associated protein; plus strand). Cytogenetic location: 4q32.3.
Variant type: single nucleotide variant.
Coding change: c.1280A>C on transcript NM_001166108.2 (MANE Select); coding-DNA position 1280, A replaced by C.
Protein change: p.Tyr427Ser; replaces tyrosine 427 with serine.
Molecular consequence: missense variant.
Genome position (GRCh38, 1-based): chr4:168,685,504, A>C. VCF-style: chr4-168685504-A-C. GRCh37 (hg19) VCF-style: chr4-169606655-A-C.
Other names: c.134A>C, p.Tyr45Ser (NM_001166109.2); c.1280A>C, p.Tyr427Ser (NM_016081.4); short protein forms Y427S, Y45S.
Identifiers: ClinVar variation 1767751 (VCV001767751.2), dbSNP rs769337733, ClinGen allele CA3135568.

ClinVar aggregate classification (germline): Uncertain significance (1 of 4 stars; one submission).

Submission:

Ambry Genetics
Classification: Uncertain significance. Last evaluated: 2022-05-07. Review status: criteria provided, single submitter. Criteria: Ambry Variant Classification Scheme 2023. Collection method: clinical testing. Allele origin: germline.
Comment: The p.Y427S variant (also known as c.1280A>C), located in coding exon 5 of the PALLD gene, results from an A to C substitution at nucleotide position 1280. The tyrosine at codon 427 is replaced by serine, an amino acid with dissimilar properties. This amino acid position is conserved. In addition, the in silico prediction for this alteration is inconclusive. Since supporting evidence is limited at this time, the clinical significance of this alteration remains unclear.